The following is an entry in ClinVar:

ClinVar aggregate classification (germline): Uncertain significance (1 of 4 stars; one submission).

Allele frequency attached by ClinVar (database versions not stated): gnomAD exomes below 0.00001.
gnomAD v4.1: 1 of 1,197,018 alleles (0.000084%); highest among the groups gnomAD compares: Non-Finnish European, 0.00011%; no homozygotes.

Submission:

GeneDx
Classification: Uncertain significance. Last evaluated: 2022-08-28. Review status: criteria provided, single submitter. Criteria: GeneDx Variant Classification Process June 2021. Collection method: clinical testing. Allele origin: germline. Affected: yes.
Comment: In silico analysis supports that this missense variant has a deleterious effect on protein structure/function; Not observed at significant frequency in large population cohorts (gnomAD); Has not been previously published as pathogenic or benign to our knowledge

NM_001330360.2(POLA1):c.2729C>T (p.Pro910Leu)

Gene: POLA1 (DNA polymerase alpha 1, catalytic subunit; plus strand). Cytogenetic location: Xp22.11.
Variant type: single nucleotide variant.
Coding change: c.2729C>T on transcript NM_001330360.2 (MANE Select); coding-DNA position 2729, C replaced by T.
Protein change: p.Pro910Leu; replaces proline 910 with leucine.
Molecular consequence: missense variant. On other transcripts: non-coding transcript variant (2).
Genome position (GRCh38, 1-based): chrX:24,748,348, C>T. VCF-style: chrX-24748348-C-T. GRCh37 (hg19) VCF-style: chrX-24766465-C-T.
Other names: c.2654C>T, p.Pro885Leu (NM_001378303.1); c.2711C>T, p.Pro904Leu (NM_016937.4); short protein forms P885L, P904L, P910L.
Identifiers: ClinVar variation 2442686 (VCV002442686.1), dbSNP rs2518856967, ClinGen allele CA412539036.
Genomic context (GRCh38, chrX:24,748,348, plus strand): 5'-GAAATTTGTTGTGTGTTTATCAGGATGGAGAACAAGAACAGATCCCTGAGTTGCCAGATC[C>T]AAGCTTAGAAATGGGCATTTTGCCCAGAGAGATCCGGAAACTGGTAGAACGGAGAAAACA-3'
Protein context (NP_001317289.1, residues 900-920): EQEQIPELPD[Pro910Leu]SLEMGILPRE